The following is an entry in ClinVar:

NM_020680.4(SCYL1):c.2247+5C>T

Gene: SCYL1 (SCY1 like pseudokinase 1; plus strand). Cytogenetic location: 11q13.1.
Variant type: single nucleotide variant.
Coding change: c.2247+5C>T on transcript NM_020680.4 (MANE Select); 5 bases into the intron after coding-DNA position 2247, C replaced by T.
Molecular consequence: intron variant.
Genome position (GRCh38, 1-based): chr11:65,538,187, C>T. VCF-style: chr11-65538187-C-T. GRCh37 (hg19) VCF-style: chr11-65305658-C-T.
Other names: c.2247+5C>T (NM_001425188.1, NM_001425196.1); c.2210+5C>T (NM_001425185.1); c.2032-255C>T (NM_001425201.1); c.2244+5C>T (NM_001425181.1, NM_001411022.1, NM_001425179.1 and 2 more transcripts); c.2149+100C>T (NM_001425197.1); c.2207+5C>T (NM_001425186.1); c.2241+5C>T (NM_001425182.1); c.2196+5C>T (NM_001425198.1, NM_001048218.2, NM_001425194.1); and 16 more.
Identifiers: ClinVar variation 4683633 (VCV004683633.1).

ClinVar aggregate classification (germline): Likely benign (1 of 4 stars; one submission).

gnomAD v4.1: 32 of 1,577,844 alleles (0.002%); highest among the groups gnomAD compares: Middle Eastern, 0.017%; no homozygotes.

Submission:

Mayo Clinic Laboratories, Mayo Clinic
Classification: Likely benign. Last evaluated: 2025-07-09. Review status: criteria provided, single submitter. Criteria: ACMG Guidelines, 2015. Collection method: clinical testing. Allele origin: germline. Observed: 1 variant allele.
Comment: BP4, BP7